The following is an entry in ClinVar:

ClinVar aggregate classification (germline): Uncertain significance (1 of 4 stars; one submission).

Conditions:
Mitochondrial complex IV deficiency, nuclear type 1 (MC4DN1). Also called: COX DEFICIENCY; Complex 4 mitochondrial respiratory chain deficiency; Deficiency of mitochondrial respiratory chain complex4; Complex IV deficiency; Mitochondrial complex IV deficiency. Identifiers: MedGen C5435656, MONDO:0700250, OMIM 220110. Disease mechanism: loss of function.

Allele frequency attached by ClinVar (database versions not stated): gnomAD exomes below 0.00001; TOPMed below 0.00001; gnomAD 0.00001.
gnomAD v4.1: 5 of 1,614,064 alleles (0.00031%); highest among the groups gnomAD compares: Non-Finnish European, 0.00042%; no homozygotes.

Submission:

Labcorp Genetics (formerly Invitae), Labcorp
Classification: Uncertain significance. Last evaluated: 2022-06-13. Review status: criteria provided, single submitter. Criteria: Invitae Variant Classification Sherloc (09022015). Collection method: clinical testing. Allele origin: germline.
Comment: This sequence change replaces phenylalanine, which is neutral and non-polar, with serine, which is neutral and polar, at codon 195 of the MRPL44 protein (p.Phe195Ser). This variant is not present in population databases (gnomAD no frequency). This variant has not been reported in the literature in individuals affected with MRPL44-related conditions. ClinVar contains an entry for this variant (Variation ID: 441127). Algorithms developed to predict the effect of missense changes on protein structure and function are either unavailable or do not agree on the potential impact of this missense change (SIFT: "Deleterious"; PolyPhen-2: "Probably Damaging"; Align-GVGD: "Class C0"). In summary, the available evidence is currently insufficient to determine the role of this variant in disease. Therefore, it has been classified as a Variant of Uncertain Significance.

NM_022915.5(MRPL44):c.584T>C (p.Phe195Ser)

Gene: MRPL44 (mitochondrial ribosomal protein L44; plus strand). Cytogenetic location: 2q36.1.
Variant type: single nucleotide variant.
Coding change: c.584T>C on transcript NM_022915.5 (MANE Select); coding-DNA position 584, T replaced by C.
Protein change: p.Phe195Ser; replaces phenylalanine 195 with serine.
Molecular consequence: missense variant.
Genome position (GRCh38, 1-based): chr2:223,959,938, T>C. VCF-style: chr2-223959938-T-C. GRCh37 (hg19) VCF-style: chr2-224824655-T-C.
Other names: short protein forms F195S.
Identifiers: ClinVar variation 441127 (VCV000441127.7), dbSNP rs1553539922, ClinGen allele CA350807293.